The following is an entry in ClinVar:

NM_001130009.3(GEN1):c.85G>C (p.Val29Leu)

Gene: GEN1 (GEN1 structure-specific endonuclease; plus strand). Cytogenetic location: 2p24.2.
Variant type: single nucleotide variant.
Coding change: c.85G>C on transcript NM_001130009.3 (MANE Select); coding-DNA position 85, G replaced by C.
Protein change: p.Val29Leu; replaces valine 29 with leucine.
Molecular consequence: missense variant.
Genome position (GRCh38, 1-based): chr2:17,760,028, G>C. VCF-style: chr2-17760028-G-C. GRCh37 (hg19) VCF-style: chr2-17941295-G-C.
Other names: c.85G>C, p.Val29Leu (NM_182625.5); short protein forms V29L.
Identifiers: ClinVar variation 1059090 (VCV001059090.9), dbSNP rs181124955, ClinGen allele CA345905389.

ClinVar aggregate classification (germline): Uncertain significance (1 of 4 stars; one submission).

Submission:

Labcorp Genetics (formerly Invitae), Labcorp
Classification: Uncertain significance. Last evaluated: 2020-04-23. Review status: criteria provided, single submitter. Criteria: Invitae Variant Classification Sherloc (09022015). Collection method: clinical testing. Allele origin: germline.
Comment: This sequence change replaces valine with leucine at codon 29 of the GEN1 protein (p.Val29Leu). The valine residue is moderately conserved and there is a small physicochemical difference between valine and leucine. This variant is not present in population databases (ExAC no frequency). This variant has not been reported in the literature in individuals with GEN1-related conditions. Algorithms developed to predict the effect of missense changes on protein structure and function are either unavailable or do not agree on the potential impact of this missense change (SIFT: "Tolerated"; PolyPhen-2: "Probably Damaging"; Align-GVGD: "Class C0"). In summary, the available evidence is currently insufficient to determine the role of this variant in disease. Therefore, it has been classified as a Variant of Uncertain Significance.